The following is an entry in ClinVar:

NM_003919.3(SGCE):c.771_772del (p.Thr257_Cys258insTer)

Genes: CASD1 (CAS1 domain sialic acid O acetyltransferase 1; plus strand), SGCE (sarcoglycan epsilon; minus strand). Cytogenetic location: 7q21.3.
Variant type: Deletion.
Coding change: c.771_772del on transcript NM_003919.3 (MANE Select); coding-DNA positions 771 to 772, 2 bases deleted (AT; older notation c.771_772delAT).
Protein change: p.Thr257_Cys258insTer.
Molecular consequence: frameshift variant.
Genome position (GRCh38, 1-based): chr7:94,603,343-94,603,344, AT deleted on the plus strand (AT on the coding strand, the reverse complement: SGCE is on the minus strand). VCF-style (leftmost placement, unchanged base first): chr7-94603342-CAT-C. GRCh37 (hg19) VCF-style: chr7-94232654-CAT-C.
Other names: c.771_772del, p.Thr257_Cys258insTer (NM_001099400.2, NM_001099401.2, NM_001346717.2); c.648_649del, p.Thr216_Cys217insTer (NM_001301139.2, NM_001362809.2); c.879_880del, p.Thr293_Cys294insTer (NM_001346713.2, NM_001346715.2); c.684_685del, p.Thr228_Cys229insTer (NM_001346719.2, NM_001362807.2); c.498_499del, p.Thr166_Cys167insTer (NM_001346720.2, NM_001362808.2); c.771_772del (NM_003919.2).
Identifiers: ClinVar variation 198162 (VCV000198162.26), dbSNP rs794727794, ClinGen allele CA275349.

ClinVar aggregate classification (germline): Pathogenic. Review status: criteria provided, multiple submitters, no conflicts (2 of 4 stars). 8 submissions from 8 submitters: Pathogenic (6). 2 of the submissions do not count toward it. Last evaluated 2025-02-13.

Conditions:
Myoclonic dystonia 11 (DYT11). Also called: Myoclonic dystonia; Dystonia 11; Dystonia, alcohol responsive; Hereditary essential myoclonus; SGCE Myoclonus-Dystonia; Myoclonus-Dystonia. Identifiers: Orphanet 36899, MedGen C1834570, MONDO:0008044, OMIM 159900.

Allele frequency attached by ClinVar (database versions not stated): gnomAD exomes below 0.00001; gnomAD 0.00001.

Submissions (8):

Labcorp Genetics (formerly Invitae), Labcorp
Classification: Pathogenic for Myoclonic dystonia 11. Last evaluated: 2025-02-13. Review status: criteria provided, single submitter. Criteria: Invitae Variant Classification Sherloc (09022015). Collection method: clinical testing. Allele origin: germline.
Comment: This sequence change creates a premature translational stop signal (p.Cys258*) in the SGCE gene. It is expected to result in an absent or disrupted protein product. Loss-of-function variants in SGCE are known to be pathogenic (PMID: 12821748, 15389977, 17853490, 24297365). This variant is not present in population databases (gnomAD no frequency). This premature translational stop signal has been observed in individuals with myoclonus-dystonia (PMID: 17296918, 18205193, 22259621). ClinVar contains an entry for this variant (Variation ID: 198162). Algorithms developed to predict the effect of sequence changes on RNA splicing suggest that this variant may disrupt the consensus splice site. For these reasons, this variant has been classified as Pathogenic.

Athena Diagnostics
Classification: Pathogenic. Last evaluated: 2024-07-01. Review status: criteria provided, single submitter. Criteria: Athena Diagnostics Criteria. Collection method: clinical testing. Allele origin: unknown.
Comment: This variant is expected to result in the loss of a functional protein. This variant has not been reported in large, multi-ethnic general populations. This variant has been identified in at least one individual with clinical features associated with this gene.

3billion
Classification: Pathogenic for Myoclonic dystonia 11. Last evaluated: 2023-12-26. Review status: criteria provided, single submitter. Criteria: ACMG Guidelines, 2015. Collection method: clinical testing. Allele origin: germline. Affected: yes.
Comment: The variant is not observed in the gnomAD v2.1.1 dataset. Predicted Consequence/Location: Stop-gained (nonsense): predicted to result in a loss or disruption of normal protein function through nonsense-mediated decay (NMD) or protein truncation. Multiple pathogenic variants are reported downstream of the variant. The variant has been reported at least twice as pathogenic with clinical assertions and evidence for the classification (ClinVar ID: VCV000198162 /PMID: 17296918). Therefore, this variant is classified as Pathogenic according to the recommendation of ACMG/AMP guideline.

GeneDx
Classification: Pathogenic. Last evaluated: 2023-09-12. Review status: criteria provided, single submitter. Criteria: GeneDx Variant Classification Process June 2021. Collection method: clinical testing. Allele origin: germline. Affected: yes.
Comment: Nonsense variant predicted to result in protein truncation or nonsense mediated decay in a gene for which loss-of-function is a known mechanism of disease; Not observed in large population cohorts (gnomAD); This variant is associated with the following publications: (PMID: 34490615, 17296918, 18205193, 22259621, 31440721)

CENTOGENE GmbH and LLC - Guiding Precision Medicine
Classification: Pathogenic for Myoclonic dystonia 11. Last evaluated: 2019-11-27. Review status: criteria provided, single submitter. Criteria: ACMG Guidelines, 2015. Collection method: clinical testing. Allele origin: germline. Affected: yes.

Eurofins Ntd Llc (ga)
Classification: Pathogenic. Last evaluated: 2014-10-13. Review status: criteria provided, single submitter. Criteria: EGL Classification Definitions 2015. Collection method: clinical testing. Allele origin: germline. Observed: 3 variant alleles, 3 heterozygotes.

Diagnostic Laboratory, Department of Genetics, University Medical Center Groningen
Classification: Pathogenic. Review status: no assertion criteria provided. Collection method: clinical testing. Allele origin: germline. Affected: yes. Study: VKGL Data-share Consensus. Not counted in ClinVar's aggregate classification.

Joint Genome Diagnostic Labs from Nijmegen and Maastricht, Radboudumc and MUMC+
Classification: Pathogenic. Review status: no assertion criteria provided. Collection method: clinical testing. Allele origin: germline. Affected: yes. Study: VKGL Data-share Consensus. Not counted in ClinVar's aggregate classification.

Literature cited by the submitters: PubMed 12821748 (cited by Labcorp Genetics (formerly Invitae), Labcorp); PubMed 15389977 (cited by Labcorp Genetics (formerly Invitae), Labcorp); PubMed 17853490 (cited by Labcorp Genetics (formerly Invitae), Labcorp); PubMed 24297365 (cited by Labcorp Genetics (formerly Invitae), Labcorp); PubMed 17296918 (cited by 3 submitters); PubMed 18205193 (cited by 3 submitters); PubMed 22259621 (cited by 3 submitters); PubMed 18362280 (cited by Athena Diagnostics).